The following is an entry in ClinVar:

ClinVar aggregate classification (germline): Uncertain significance. Review status: criteria provided, multiple submitters, no conflicts (2 of 4 stars). 3 submissions from 3 submitters: Uncertain significance (3). Last evaluated 2025-09-09.

Conditions:
SFTPA2-related disorder. Also called: SFTPA2-related condition.
Inborn genetic diseases. Identifiers: MedGen C0950123, MeSH D030342.

gnomAD v4.1: 15 of 1,613,592 alleles (0.00093%); highest among the groups gnomAD compares: East Asian, 0.0089%; no homozygotes.

Submissions (3):

PreventionGenetics, part of Exact Sciences
Classification: Uncertain significance for SFTPA2-related condition. Last evaluated: 2025-09-09. Review status: criteria provided, single submitter. Criteria: ACMG Guidelines, 2015. Collection method: clinical testing. Allele origin: germline.
Comment: The SFTPA2 c.61G>A variant is predicted to result in the amino acid substitution p.Glu21Lys. To our knowledge, this variant has not been reported in the literature. This variant is reported in 0.0033% of alleles in individuals of South Asian descent in gnomAD. At this time, the clinical significance of this variant is uncertain due to the absence of conclusive functional and genetic evidence.

Ambry Genetics
Classification: Uncertain significance for Inborn genetic diseases. Last evaluated: 2025-03-15. Review status: criteria provided, single submitter. Criteria: Ambry Variant Classification Scheme 2023. Collection method: clinical testing. Allele origin: germline.

Blueprint Genetics
Classification: Uncertain significance. Last evaluated: 2020-12-16. Review status: criteria provided, single submitter. Criteria: ACMG Guidelines, 2015. Collection method: clinical testing. Allele origin: germline.

NM_001098668.4(SFTPA2):c.61G>A (p.Glu21Lys)

Gene: SFTPA2 (surfactant protein A2; minus strand). Cytogenetic location: 10q22.3.
Variant type: single nucleotide variant.
Coding change: c.61G>A on transcript NM_001098668.4 (MANE Select); coding-DNA position 61, G replaced by A.
Protein change: p.Glu21Lys; replaces glutamic acid 21 with lysine.
Molecular consequence: missense variant.
Genome position (GRCh38, 1-based): chr10:79,559,423, C>T on the plus strand (G>A on the coding strand, the complement: SFTPA2 is on the minus strand). VCF-style: chr10-79559423-C-T. GRCh37 (hg19) VCF-style: chr10-81319179-C-T.
Other names: c.61G>A (NM_001098668.3); c.61G>A, p.Glu21Lys (NM_001320813.2); c.91G>A, p.Glu31Lys (NM_001320814.1); short protein forms E21K, E31K.
Identifiers: ClinVar variation 3953156 (VCV003953156.3).